The following is an entry in ClinVar:

ClinVar aggregate classification (germline): Likely pathogenic (0 of 4 stars; one submission).

Conditions:
INPP5E-related disorder. Also called: INPP5E-related condition.

Submission:

PreventionGenetics, part of Exact Sciences
Classification: Likely pathogenic for INPP5E-related condition. Last evaluated: 2024-01-20. Review status: no assertion criteria provided. Collection method: clinical testing. Allele origin: germline.
Comment: The INPP5E c.1057C>T variant is predicted to result in premature protein termination (p.Gln353*). To our knowledge, this variant has not been reported in the literature or in a large population database, indicating this variant is rare. Nonsense variants in INPP5E are expected to be pathogenic. This variant is interpreted as likely pathogenic.

NM_019892.6(INPP5E):c.1057C>T (p.Gln353Ter)

Gene: INPP5E (inositol polyphosphate-5-phosphatase E; minus strand). Cytogenetic location: 9q34.3.
Variant type: single nucleotide variant.
Coding change: c.1057C>T on transcript NM_019892.6 (MANE Select); coding-DNA position 1057, C replaced by T.
Protein change: p.Gln353Ter; replaces glutamine 353 with a stop codon.
Molecular consequence: nonsense.
Genome position (GRCh38, 1-based): chr9:136,433,257, G>A on the plus strand (C>T on the coding strand, the complement: INPP5E is on the minus strand). VCF-style: chr9-136433257-G-A. GRCh37 (hg19) VCF-style: chr9-139327709-G-A.
Other names: c.1057C>T, p.Gln353Ter (NM_001318502.2); short protein forms Q353*.
Identifiers: ClinVar variation 3350025 (VCV003350025.1).